The following is an entry in ClinVar:

ClinVar aggregate classification (germline): Pathogenic (1 of 4 stars; one submission).

Submission:

Labcorp Genetics (formerly Invitae), Labcorp
Classification: Pathogenic. Last evaluated: 2023-06-23. Review status: criteria provided, single submitter. Criteria: Invitae Variant Classification Sherloc (09022015). Collection method: clinical testing. Allele origin: unknown.
Comment: For these reasons, this variant has been classified as Pathogenic. This variant disrupts a region of the PAX3 protein in which other variant(s) (p.Gln405Argfs*29) have been determined to be pathogenic (Invitae). This suggests that this is a clinically significant region of the protein, and that variants that disrupt it are likely to be disease-causing. This variant has not been reported in the literature in individuals affected with PAX3-related conditions. This variant is a gross deletion of the genomic region encompassing exon(s) 6-8 of the PAX3 gene, which includes the termination codon. This deletion extends beyond the assayed region for this gene and therefore may encompass additional genes. While this deletion is not anticipated to lead to nonsense mediated decay, it is expected to alter mRNA translation or result in a truncated protein product.

NC_000002.11:g.(?_223066643)_(223086126_?)del

Gene: PAX3 (paired box 3; minus strand). Cytogenetic location: 2q36.1.
Variant type: Deletion.
Identifiers: ClinVar variation 3247601 (VCV003247601.1).